The following is an entry in ClinVar:

ClinVar aggregate classification (germline): Uncertain significance (1 of 4 stars; one submission).

Conditions:
Multiple congenital anomalies-hypotonia-seizures syndrome 2 (MCAHS2). Also called: EPILEPTIC ENCEPHALOPATHY, EARLY INFANTILE, 20; GLYCOSYLPHOSPHATIDYLINOSITOL BIOSYNTHESIS DEFECT 4. Identifiers: Orphanet 300496, MedGen C3275508, MONDO:0010466, OMIM 300868.

Submission:

Labcorp Genetics (formerly Invitae), Labcorp
Classification: Uncertain significance for Multiple congenital anomalies-hypotonia-seizures syndrome 2. Last evaluated: 2018-09-15. Review status: criteria provided, single submitter. Criteria: Invitae Variant Classification Sherloc (09022015). Collection method: clinical testing. Allele origin: germline.
Comment: In summary, this variant is a novel missense change with uncertain impact on protein function. It has been classified as a Variant of Uncertain Significance. Algorithms developed to predict the effect of missense changes on protein structure and function do not agree on the potential impact of this missense change (SIFT: "Deleterious"; PolyPhen-2: "Probably Damaging"; Align-GVGD: "Class C0"). This variant is not present in population databases (ExAC no frequency) and has not been reported in the literature in individuals with a PIGA-related disease. This sequence change replaces isoleucine with methionine at codon 116 of the PIGA protein (p.Ile116Met). The isoleucine residue is moderately conserved and there is a small physicochemical difference between isoleucine and methionine.

NM_002641.4(PIGA):c.348A>G (p.Ile116Met)

Gene: PIGA (phosphatidylinositol glycan anchor biosynthesis class A; minus strand). Cytogenetic location: Xp22.2.
Variant type: single nucleotide variant.
Coding change: c.348A>G on transcript NM_002641.4 (MANE Select); coding-DNA position 348, A replaced by G.
Protein change: p.Ile116Met; replaces isoleucine 116 with methionine.
Molecular consequence: missense variant. On other transcripts: intron variant (1).
Genome position (GRCh38, 1-based): chrX:15,331,583, T>C on the plus strand (A>G on the coding strand, the complement: PIGA is on the minus strand). VCF-style: chrX-15331583-T-C. GRCh37 (hg19) VCF-style: chrX-15349705-T-C.
Other names: c.13+3918A>G (NM_020473.3); short protein forms I116M.
Identifiers: ClinVar variation 471951 (VCV000471951.10), dbSNP rs1555945484, ClinGen allele CA412340392.
Genomic context (GRCh38, chrX:15,331,583, plus strand): 5'-ATGGGCCATAGCAGAAAAAGAACTATGTGAATGGATTATCGTGACTCTCTCCCGAACAAA[T>C]ATGTACCTGAGCAATGGCAGACTGTGAAAGAGGGTCGTGGCTGTAGACTGGTTGTACATG-3'
Protein context (NP_002632.1, residues 106-126): LFHSLPLLRY[Ile116Met]FVRERVTIIH